The following is an entry in ClinVar:

ClinVar aggregate classification (germline): Uncertain significance. Review status: criteria provided, multiple submitters, no conflicts (2 of 4 stars). 2 submissions from 2 submitters: Uncertain significance (2). Last evaluated 2024-08-27.

Allele frequency attached by ClinVar (database versions not stated): gnomAD 0.00001; gnomAD exomes 0.00001; TOPMed 0.00001.
gnomAD v4.1: 9 of 1,570,434 alleles (0.00057%); highest among the groups gnomAD compares: African/African-American, 0.0014%; no homozygotes.

Submissions (2):

Blueprint Genetics
Classification: Uncertain significance. Last evaluated: 2024-08-27. Review status: criteria provided, single submitter. Criteria: ACMG Guidelines, 2015. Collection method: clinical testing. Allele origin: germline.

Labcorp Genetics (formerly Invitae), Labcorp
Classification: Uncertain significance. Last evaluated: 2022-04-20. Review status: criteria provided, single submitter. Criteria: Invitae Variant Classification Sherloc (09022015). Collection method: clinical testing. Allele origin: germline.
Comment: This sequence change replaces proline, which is neutral and non-polar, with alanine, which is neutral and non-polar, at codon 1012 of the COL18A1 protein (p.Pro1012Ala). This variant is not present in population databases (gnomAD no frequency). This variant has not been reported in the literature in individuals affected with COL18A1-related conditions. Experimental studies and prediction algorithms are not available or were not evaluated, and the functional significance of this variant is currently unknown. In summary, the available evidence is currently insufficient to determine the role of this variant in disease. Therefore, it has been classified as a Variant of Uncertain Significance.

NM_001379500.1(COL18A1):c.3043C>G (p.Pro1015Ala)

Genes: COL18A1 (collagen type XVIII alpha 1 chain; plus strand), SLC19A1 (solute carrier family 19 member 1; minus strand). Cytogenetic location: 21q22.3.
Variant type: single nucleotide variant.
Coding change: c.3043C>G on transcript NM_001379500.1 (MANE Select); coding-DNA position 3043, C replaced by G.
Protein change: p.Pro1015Ala; replaces proline 1015 with alanine.
Molecular consequence: missense variant.
Genome position (GRCh38, 1-based): chr21:45,505,387, C>G. VCF-style: chr21-45505387-C-G. GRCh37 (hg19) VCF-style: chr21-46925301-C-G.
Other names: c.3574C>G, p.Pro1192Ala (NM_030582.4); c.4279C>G, p.Pro1427Ala (NM_130444.3); short protein forms P1015A, P1427A, P1192A.
Identifiers: ClinVar variation 1483998 (VCV001483998.5), dbSNP rs956592599, ClinGen allele CA321921575.